The following is an entry in ClinVar:

NM_020771.4(HACE1):c.2442G>A (p.Gln814=)

Gene: HACE1 (HECT domain and ankyrin repeat containing E3 ubiquitin protein ligase 1; minus strand). Cytogenetic location: 6q16.3.
Variant type: single nucleotide variant.
Coding change: c.2442G>A on transcript NM_020771.4 (MANE Select); coding-DNA position 2442, G replaced by A.
Protein change: p.Gln814=; no amino-acid change (glutamine 814 retained).
Molecular consequence: synonymous variant. On other transcripts: non-coding transcript variant (7).
Genome position (GRCh38, 1-based): chr6:104,744,512, C>T on the plus strand (G>A on the coding strand, the complement: HACE1 is on the minus strand). VCF-style: chr6-104744512-C-T. GRCh37 (hg19) VCF-style: chr6-105192387-C-T.
Other names: c.2208G>A, p.Gln736= (NM_001350554.2); c.2151G>A, p.Gln717= (NM_001350555.2); c.1956G>A, p.Gln652= (NM_001350556.2); c.1938G>A, p.Gln646= (NM_001350557.2, NM_001350558.2, NM_001321084.2); c.1860G>A, p.Gln620= (NM_001350559.2); c.1659G>A, p.Gln553= (NM_001350560.2); c.2310G>A, p.Gln770= (NM_001321080.2); c.2340G>A, p.Gln780= (NM_001321083.2).
Identifiers: ClinVar variation 2011956 (VCV002011956.4), dbSNP rs1777193045, ClinGen allele CA451384653.

ClinVar aggregate classification (germline): Uncertain significance (1 of 4 stars; one submission).

Allele frequency attached by ClinVar (database versions not stated): TOPMed below 0.00001.

Submission:

Labcorp Genetics (formerly Invitae), Labcorp
Classification: Uncertain significance. Last evaluated: 2025-02-03. Review status: criteria provided, single submitter. Criteria: Invitae Variant Classification Sherloc (09022015). Collection method: clinical testing. Allele origin: germline.
Comment: This sequence change affects codon 814 of the HACE1 mRNA. It is a 'silent' change, meaning that it does not change the encoded amino acid sequence of the HACE1 protein. This variant also falls at the last nucleotide of exon 21, which is part of the consensus splice site for this exon. This variant is not present in population databases (gnomAD no frequency). This variant has not been reported in the literature in individuals affected with HACE1-related conditions. ClinVar contains an entry for this variant (Variation ID: 2011956). Variants that disrupt the consensus splice site are a relatively common cause of aberrant splicing (PMID: 17576681, 9536098). Algorithms developed to predict the effect of sequence changes on RNA splicing suggest that this variant may disrupt the consensus splice site. In summary, the available evidence is currently insufficient to determine the role of this variant in disease. Therefore, it has been classified as a Variant of Uncertain Significance.

Literature cited by the submitters: PubMed 17576681; PubMed 9536098.